The following is an entry in ClinVar:

ClinVar aggregate classification (germline): Uncertain significance (1 of 4 stars; one submission).

Submission:

Labcorp Genetics (formerly Invitae), Labcorp
Classification: Uncertain significance. Last evaluated: 2022-10-25. Review status: criteria provided, single submitter. Criteria: Invitae Variant Classification Sherloc (09022015). Collection method: clinical testing. Allele origin: germline.
Comment: This sequence change replaces glycine, which is neutral and non-polar, with serine, which is neutral and polar, at codon 195 of the ECHS1 protein (p.Gly195Ser). Information on the frequency of this variant in the gnomAD database is not available, as this variant may be reported differently in the database. This missense change has been observed in individuals with ECHS1-related conditions (PMID: 26000322, 26099313, 32677908). ClinVar contains an entry for this variant (Variation ID: 1421759). Experimental studies and prediction algorithms are not available or were not evaluated, and the functional significance of this variant is currently unknown. In summary, the available evidence is currently insufficient to determine the role of this variant in disease. Therefore, it has been classified as a Variant of Uncertain Significance.

Literature cited by the submitters: PubMed 26000322; PubMed 26099313; PubMed 32677908.

NM_004092.4(ECHS1):c.582_583inv (p.Gly195Ser)

Gene: ECHS1 (enoyl-CoA hydratase, short chain 1; minus strand). Cytogenetic location: 10q26.3.
Variant type: Inversion.
Coding change: c.582_583inv on transcript NM_004092.4 (MANE Select).
Protein change: p.Gly195Ser; replaces glycine 195 with serine.
Molecular consequence: missense variant.
Genome position: GRCh38 VCF-style: chr10-133366925-CA-TG. GRCh37 (hg19) VCF-style: chr10-135180429-CA-TG.
Other names: short protein forms G195S.
Identifiers: ClinVar variation 1421759 (VCV001421759.3), ClinGen allele CA2573145603.